The following is an entry in ClinVar:

NM_017617.5(NOTCH1):c.244G>A (p.Val82Met)

Gene: NOTCH1 (notch receptor 1; minus strand). Cytogenetic location: 9q34.3.
Variant type: single nucleotide variant.
Coding change: c.244G>A on transcript NM_017617.5 (MANE Select); coding-DNA position 244, G replaced by A.
Protein change: p.Val82Met; replaces valine 82 with methionine.
Molecular consequence: missense variant.
Genome position (GRCh38, 1-based): chr9:136,523,876, C>T on the plus strand (G>A on the coding strand, the complement: NOTCH1 is on the minus strand). VCF-style: chr9-136523876-C-T. GRCh37 (hg19) VCF-style: chr9-139418328-C-T.
Other names: c.244G>A, p.Val82Met (LRG_1122t1); short protein forms V82M.
Identifiers: ClinVar variation 429449 (VCV000429449.15), dbSNP rs571831870, ClinGen allele CA5342218.

ClinVar aggregate classification (germline): Conflicting classifications of pathogenicity. Review status: criteria provided, conflicting classifications (1 of 4 stars). 5 submissions from 4 submitters: Uncertain significance (3); Benign (1); Likely benign (1). Last evaluated 2025-02-19.

Conditions:
Familial thoracic aortic aneurysm and aortic dissection (TAAD). Also called: Thoracic aortic aneurysms and dissections. Identifiers: Orphanet 91387, MedGen C4707243, MONDO:0019625.
Adams-Oliver syndrome 5 (AOS5). Identifiers: Orphanet 974, MedGen C4014970, MONDO:0014459, OMIM 616028.
Aortic valve disease 1 (AOVD1). Identifiers: MedGen C3887892, MONDO:0024523, OMIM 109730.

Allele frequency attached by ClinVar (database versions not stated): ExAC 0.00001; gnomAD 0.00001 and 0.00002; gnomAD exomes 0.00001; TOPMed 0.00002; 1000 Genomes Project 30x 0.00016; 1000 Genomes Project 0.00040.
gnomAD v4.1: 17 of 1,610,354 alleles (0.0011%); highest among the groups gnomAD compares: African/African-American, 0.004%; no homozygotes.

Submissions (5):

GeneDx
Classification: Uncertain significance. Last evaluated: 2025-02-19. Review status: criteria provided, single submitter. Criteria: GeneDx Variant Classification Process June 2021. Collection method: clinical testing. Allele origin: germline. Affected: yes.
Comment: Has not been previously published as pathogenic or benign to our knowledge; Not observed at significant frequency in large population cohorts (gnomAD); In silico analysis indicates that this missense variant does not alter protein structure/function

Labcorp Genetics (formerly Invitae), Labcorp
Classification: Benign for Adams-Oliver syndrome 5. Last evaluated: 2024-08-05. Review status: criteria provided, single submitter. Criteria: Invitae Variant Classification Sherloc (09022015). Collection method: clinical testing. Allele origin: germline.

Genome-Nilou Lab
Classification: Uncertain significance for Adams-Oliver syndrome 5. Last evaluated: 2022-03-15. Review status: criteria provided, single submitter. Criteria: ACMG Guidelines, 2015. Collection method: clinical testing. Allele origin: germline. Affected: no.

Genome-Nilou Lab
Classification: Uncertain significance for Aortic valve disease 1. Last evaluated: 2022-03-15. Review status: criteria provided, single submitter. Criteria: ACMG Guidelines, 2015. Collection method: clinical testing. Allele origin: germline. Affected: no.

Ambry Genetics
Classification: Likely benign for Familial thoracic aortic aneurysm and aortic dissection. Last evaluated: 2021-07-18. Review status: criteria provided, single submitter. Criteria: Ambry Variant Classification Scheme 2023. Collection method: clinical testing. Allele origin: germline.